The following is an entry in ClinVar:

ClinVar aggregate classification (germline): Pathogenic (1 of 4 stars; one submission).

Conditions:
Peroxisome biogenesis disorder 9B. Also called: PEX7-Related Refsum Disease; Refsum disease, adult, 2; PEROXISOME BIOGENESIS DISORDER, PEX7-RELATED, ATYPICAL. Identifiers: Orphanet 773, MedGen C2749346, MONDO:0013945, OMIM 614879.

Allele frequency attached by ClinVar (database versions not stated): gnomAD exomes below 0.00001.
gnomAD v4.1: 1 of 1,608,752 alleles (0.000062%); no homozygotes.

Submission:

Labcorp Genetics (formerly Invitae), Labcorp
Classification: Pathogenic for Peroxisome biogenesis disorder 9B. Last evaluated: 2023-01-16. Review status: criteria provided, single submitter. Criteria: Invitae Variant Classification Sherloc (09022015). Collection method: clinical testing. Allele origin: germline.
Comment: This variant has not been reported in the literature in individuals affected with PEX7-related conditions. For these reasons, this variant has been classified as Pathogenic. This variant is present in population databases (no rsID available, gnomAD 0.004%). This sequence change creates a premature translational stop signal (p.Ser273*) in the PEX7 gene. It is expected to result in an absent or disrupted protein product. Loss-of-function variants in PEX7 are known to be pathogenic (PMID: 12325024, 12522768, 20301447).

Literature cited by the submitters: PubMed 12325024; PubMed 12522768; PubMed 20301447.

NM_000288.4(PEX7):c.818C>G (p.Ser273Ter)

Gene: PEX7 (peroxisomal biogenesis factor 7; plus strand). Cytogenetic location: 6q23.3.
Variant type: single nucleotide variant.
Coding change: c.818C>G on transcript NM_000288.4 (MANE Select); coding-DNA position 818, C replaced by G.
Protein change: p.Ser273Ter; replaces serine 273 with a stop codon.
Molecular consequence: nonsense.
Genome position (GRCh38, 1-based): chr6:136,898,156, C>G. VCF-style: chr6-136898156-C-G. GRCh37 (hg19) VCF-style: chr6-137219294-C-G.
Other names: c.704C>G, p.Ser235Ter (NM_001410945.1); short protein forms S273*, S235*.
Identifiers: ClinVar variation 2829116 (VCV002829116.3), dbSNP rs1306724935, ClinGen allele CA365766558.
Genomic context (GRCh38, chr6:136,898,156, plus strand): 5'-TGGTAGTTTTAGCATTTAAATTATTCCCTTTTATTTATCTTCACAGATTCTGGAACTTTT[C>G]AAAGCCTGACTCTCTTCTTGAAACAGTGGAGCATCATACAGAGTTTACTTGTGGTTTAGA-3'